The following is an entry in ClinVar:

NM_007294.4(BRCA1):c.1853G>C (p.Arg618Thr)

Gene: BRCA1 (BRCA1 DNA repair associated; minus strand). Cytogenetic location: 17q21.31.
Variant type: single nucleotide variant.
Coding change: c.1853G>C on transcript NM_007294.4 (MANE Select); coding-DNA position 1853, G replaced by C.
Protein change: p.Arg618Thr; replaces arginine 618 with threonine.
Molecular consequence: missense variant. On other transcripts: intron variant (137).
Genome position (GRCh38, 1-based): chr17:43,093,678, C>G on the plus strand (G>C on the coding strand, the complement: BRCA1 is on the minus strand). VCF-style: chr17-43093678-C-G. GRCh37 (hg19) VCF-style: chr17-41245695-C-G.
Other names: c.1589G>C, p.Arg530Thr (NM_001407920.1, NM_001407921.1, NM_001407922.1 and 9 more transcripts); c.1586G>C, p.Arg529Thr (NM_001407930.1, NM_001407931.1, NM_001407932.1 and 2 more transcripts); c.1640G>C, p.Arg547Thr (NM_001407571.1, NM_001407853.1, NM_001407894.1 and 9 more transcripts); c.1853G>C, p.Arg618Thr (NM_001407581.1, NM_001407582.1, NM_001407583.1 and 30 more transcripts); c.1850G>C, p.Arg617Thr (NM_001407587.1, NM_001407590.1, NM_001407591.1 and 22 more transcripts); c.1844G>C, p.Arg615Thr (NM_001407646.1, NM_001407647.1); c.1730G>C, p.Arg577Thr (NM_001407648.1, NM_001407664.1, NM_001407665.1 and 19 more transcripts); c.1727G>C, p.Arg576Thr (NM_001407649.1, NM_001407670.1, NM_001407671.1 and 11 more transcripts); and 40 more; short protein forms R618T, R571T, R450T, R506T, R530T, R551T, R577T, R529T.
Identifiers: ClinVar variation 628544 (VCV000628544.9), dbSNP rs876659527, ClinGen allele CA10598315.

ClinVar aggregate classification (germline): Conflicting classifications of pathogenicity. Review status: criteria provided, conflicting classifications (1 of 4 stars). 3 submissions from 3 submitters: Uncertain significance (2); Likely benign (1). Last evaluated 2023-08-27.

Conditions:
Hereditary cancer-predisposing syndrome. Also called: Neoplastic Syndromes, Hereditary; Tumor predisposition; Hereditary neoplastic syndrome; Hereditary Cancer Syndrome. Identifiers: Orphanet 140162, MedGen C0027672, MeSH D009386, MONDO:0015356.
Hereditary breast ovarian cancer syndrome. Also called: Hereditary breast and ovarian cancer syndrome; Hereditary breast and ovarian cancer; Hereditary breast and ovarian cancer syndrome (HBOC); Breast and ovarian cancer; Hereditary breast and/or ovarian cancer syndrome; BRCA1- and BRCA2-Associated Hereditary Breast and Ovarian Cancer. Identifiers: Orphanet 145, MedGen C0677776, MeSH D061325, MONDO:0003582. Disease mechanism: loss of function.

Submissions (3):

Labcorp Genetics (formerly Invitae), Labcorp
Classification: Uncertain significance for Hereditary breast ovarian cancer syndrome. Last evaluated: 2023-08-27. Review status: criteria provided, single submitter. Criteria: Invitae Variant Classification Sherloc (09022015). Collection method: clinical testing. Allele origin: germline.
Comment: This variant has not been reported in the literature in individuals affected with BRCA1-related conditions. This variant is not present in population databases (gnomAD no frequency). This sequence change replaces arginine, which is basic and polar, with threonine, which is neutral and polar, at codon 618 of the BRCA1 protein (p.Arg618Thr). ClinVar contains an entry for this variant (Variation ID: 628544). In summary, the available evidence is currently insufficient to determine the role of this variant in disease. Therefore, it has been classified as a Variant of Uncertain Significance. Advanced modeling of protein sequence and biophysical properties (such as structural, functional, and spatial information, amino acid conservation, physicochemical variation, residue mobility, and thermodynamic stability) performed at Invitae indicates that this missense variant is not expected to disrupt BRCA1 protein function.

University of Washington Department of Laboratory Medicine, University of Washington
Classification: Likely benign for Hereditary cancer-predisposing syndrome. Last evaluated: 2023-03-23. Review status: criteria provided, single submitter. Criteria: Dines et al. (Genet Med. 2020). Collection method: curation. Allele origin: germline.
Comment: Missense variant in a coldspot region where missense variants are very unlikely to be pathogenic (PMID:31911673).

BRCA1 coldspot (exon 11 using historical exon numbering). Reclassification based on statistical prior probability

Color Diagnostics, LLC DBA Color Health
Classification: Uncertain significance for Hereditary cancer-predisposing syndrome. Last evaluated: 2019-06-16. Review status: criteria provided, single submitter. Criteria: ACMG Guidelines, 2015. Collection method: clinical testing. Allele origin: germline.